The following is an entry in ClinVar:

NM_020693.4(DSCAML1):c.2141A>G (p.Asp714Gly)

Gene: DSCAML1 (DS cell adhesion molecule like 1; minus strand). Cytogenetic location: 11q23.3.
Variant type: single nucleotide variant.
Coding change: c.2141A>G on transcript NM_020693.4 (MANE Select); coding-DNA position 2141, A replaced by G.
Protein change: p.Asp714Gly; replaces aspartic acid 714 with glycine.
Molecular consequence: missense variant.
Genome position (GRCh38, 1-based): chr11:117,504,965, T>C on the plus strand (A>G on the coding strand, the complement: DSCAML1 is on the minus strand). VCF-style: chr11-117504965-T-C. GRCh37 (hg19) VCF-style: chr11-117375680-T-C.
Other names: c.2141A>G, p.Asp714Gly (NM_001367904.1); short protein forms D714G.
Identifiers: ClinVar variation 161735 (VCV000161735.2), dbSNP rs193920955, ClinGen allele CA174690.

ClinVar aggregate classification (germline): Uncertain significance (0 of 4 stars; one submission).

Conditions:
Prostate cancer. Also called: Malignant tumor of prostate. Identifiers: Orphanet 1331, MedGen C0376358, MONDO:0008315, HP:0012125.

Submission:

Science for Life laboratory,  Karolinska Institutet
Classification: Uncertain significance for Malignant tumor of prostate. Review status: no assertion criteria provided. Collection method: not provided. Allele origin: somatic.
Comment: TumorID:SWE-2
ClinVar note: Converted during submission from Unknown to Uncertain significance.